The following is an entry in ClinVar:

NM_178821.3(DAW1):c.114-10T>A

Gene: DAW1 (dynein assembly factor with WD repeats 1; plus strand). Cytogenetic location: 2q36.3.
Variant type: single nucleotide variant.
Coding change: c.114-10T>A on transcript NM_178821.3 (MANE Select); 10 bases into the intron before coding-DNA position 114, T replaced by A.
Molecular consequence: intron variant.
Genome position (GRCh38, 1-based): chr2:227,889,846, T>A. VCF-style: chr2-227889846-T-A. GRCh37 (hg19) VCF-style: chr2-228754562-T-A.
Other names: NC_000002.11:g.228754562T>A; c.69-10T>A (NM_001330004.2).
Identifiers: ClinVar variation 4510264 (VCV004510264.5).
Genomic context (GRCh38, chr2:227,889,846, plus strand): 5'-CTTCATGTAATATAGGTATATGCAAATTTTGACATAAAATAAAAGAAACTCTTTTTTGGG[T>A]GTATTTCAGCACTGATGTCAGTGCGTTAGTAGAAGAAATCCAGAAGGCAGAACCTCTACT-3'

ClinVar aggregate classification (germline): Benign (1 of 4 stars; one submission).

gnomAD v4.1: 16,071 of 1,552,054 alleles (1%); highest among the groups gnomAD compares: Non-Finnish European, 1.3%; 120 homozygotes.

Submissions (5):

CeGaT Center for Human Genetics Tuebingen
Classification: Benign. Last evaluated: 2026-03-01. Review status: criteria provided, single submitter. Criteria: CeGaT Center For Human Genetics Tuebingen Variant Classification Criteria Version 2. Collection method: clinical testing. Allele origin: germline. Affected: yes. Observed: 1 variant allele.
Comment: DAW1: BS1, BS2

Dr. Peter K. Rogan Lab, Western University
No classification provided (evidence only). Condition: Lung cancer. Review status: no classification provided. Collection method: in vitro. Allele origin: not applicable. Functional consequence: retained intron. Not counted in ClinVar's aggregate classification.

Dr. Peter K. Rogan Lab, Western University
No classification provided (evidence only). Condition: Familial cancer of breast. Review status: no classification provided. Collection method: in vitro. Allele origin: not applicable. Functional consequence: retained intron. Not counted in ClinVar's aggregate classification.

Dr. Peter K. Rogan Lab, Western University
No classification provided (evidence only). Condition: Malignant tumor of esophagus. Review status: no classification provided. Collection method: in vitro. Allele origin: not applicable. Functional consequence: retained intron. Not counted in ClinVar's aggregate classification.

Dr. Peter K. Rogan Lab, Western University
No classification provided (evidence only). Condition: Familial pancreatic carcinoma. Review status: no classification provided. Collection method: in vitro. Allele origin: not applicable. Functional consequence: retained intron. Not counted in ClinVar's aggregate classification.